The following is an entry in ClinVar:

ClinVar aggregate classification (germline): Uncertain significance (1 of 4 stars; one submission).

Allele frequency attached by ClinVar (database versions not stated): gnomAD exomes below 0.00001; ExAC 0.00001.

Submission:

Labcorp Genetics (formerly Invitae), Labcorp
Classification: Uncertain significance. Last evaluated: 2023-06-12. Review status: criteria provided, single submitter. Criteria: Invitae Variant Classification Sherloc (09022015). Collection method: clinical testing. Allele origin: germline.
Comment: In summary, the available evidence is currently insufficient to determine the role of this variant in disease. Therefore, it has been classified as a Variant of Uncertain Significance. This sequence change replaces valine, which is neutral and non-polar, with leucine, which is neutral and non-polar, at codon 79 of the TOP2B protein (p.Val79Leu). This variant is present in population databases (rs750095679, gnomAD 0.003%). This variant has not been reported in the literature in individuals affected with TOP2B-related conditions. An algorithm developed to predict the effect of missense changes on protein structure and function (PolyPhen-2) suggests that this variant is likely to be tolerated.

NM_001330700.2(TOP2B):c.250G>T (p.Val84Leu)

Gene: TOP2B (DNA topoisomerase II beta; minus strand). Cytogenetic location: 3p24.2.
Variant type: single nucleotide variant.
Coding change: c.250G>T on transcript NM_001330700.2 (MANE Select); coding-DNA position 250, G replaced by T.
Protein change: p.Val84Leu; replaces valine 84 with leucine.
Molecular consequence: missense variant.
Genome position (GRCh38, 1-based): chr3:25,643,775, C>A on the plus strand (G>T on the coding strand, the complement: TOP2B is on the minus strand). VCF-style: chr3-25643775-C-A. GRCh37 (hg19) VCF-style: chr3-25685266-C-A.
Other names: c.235G>T, p.Val79Leu (NM_001068.3); short protein forms V84L, V79L.
Identifiers: ClinVar variation 2855997 (VCV002855997.3), dbSNP rs750095679, ClinGen allele CA2288940.
Genomic context (GRCh38, chr3:25,643,775, plus strand): 5'-TGTATAAACCTGGCACAAAGGTAACCTCCCTGCAATTCATTCCTACATCTTCATCATACA[C>A]CCACATGAACTGCATTGAAAAATTCAAAAAAAATTTTACTCAATAAATCCTTAATATCAA-3'
Protein context (NP_001317629.1, residues 74-94): SVEPLTQFMW[Val84Leu]YDEDVGMNCR